The following is an entry in ClinVar:

NM_001204.7(BMPR2):c.11C>G (p.Ser4Trp)

Gene: BMPR2 (bone morphogenetic protein receptor type 2; plus strand). Cytogenetic location: 2q33.1.
Variant type: single nucleotide variant.
Coding change: c.11C>G on transcript NM_001204.7 (MANE Select); coding-DNA position 11, C replaced by G.
Protein change: p.Ser4Trp; replaces serine 4 with tryptophan.
Molecular consequence: missense variant.
Genome position (GRCh38, 1-based): chr2:202,377,485, C>G. VCF-style: chr2-202377485-C-G. GRCh37 (hg19) VCF-style: chr2-203242208-C-G.
Other names: short protein forms S4W.
Identifiers: ClinVar variation 4597635 (VCV004597635.1).
Genomic context (GRCh38, chr2:202,377,485, plus strand): 5'-ACTTCCCATATTTCTTTTCTTTGCCCTCCTGATTCTTGGCTGGCCCAGGGATGACTTCCT[C>G]GCTGCAGCGGCCCTGGCGGGTGCCCTGGCTACCATGGACCATCCTGCTGGTCAGCACTGC-3'
Protein context (NP_001195.2, residues 1-14): MTS[Ser4Trp]LQRPWRVPWL

ClinVar aggregate classification (germline): Uncertain significance (1 of 4 stars; one submission).

Conditions:
Inborn genetic diseases. Identifiers: MedGen C0950123, MeSH D030342.

Submission:

Ambry Genetics
Classification: Uncertain significance for Inborn genetic diseases. Last evaluated: 2025-11-03. Review status: criteria provided, single submitter. Criteria: Ambry Variant Classification Scheme 2023. Collection method: clinical testing. Allele origin: germline.
Comment: The p.S4W variant (also known as c.11C>G), located in coding exon 1 of the BMPR2 gene, results from a C to G substitution at nucleotide position 11. The serine at codon 4 is replaced by tryptophan, an amino acid with highly dissimilar properties. This amino acid position is conserved. In addition, the in silico prediction for this alteration is inconclusive. Based on the available evidence, the clinical significance of this variant remains unclear.